The following is an entry in ClinVar:

NM_003922.4(HERC1):c.376A>C (p.Lys126Gln)

Gene: HERC1 (HECT and RLD domain containing E3 ubiquitin protein ligase family member 1; minus strand). Cytogenetic location: 15q22.31.
Variant type: single nucleotide variant.
Coding change: c.376A>C on transcript NM_003922.4 (MANE Select); coding-DNA position 376, A replaced by C.
Protein change: p.Lys126Gln; replaces lysine 126 with glutamine.
Molecular consequence: missense variant.
Genome position (GRCh38, 1-based): chr15:63,775,248, T>G on the plus strand (A>C on the coding strand, the complement: HERC1 is on the minus strand). VCF-style: chr15-63775248-T-G. GRCh37 (hg19) VCF-style: chr15-64067447-T-G.
Other names: short protein forms K126Q.
Identifiers: ClinVar variation 2087755 (VCV002087755.4), dbSNP rs2551858067, ClinGen allele CA392806680.

ClinVar aggregate classification (germline): Uncertain significance (1 of 4 stars; one submission).

Submission:

Labcorp Genetics (formerly Invitae), Labcorp
Classification: Uncertain significance. Last evaluated: 2022-08-16. Review status: criteria provided, single submitter. Criteria: Invitae Variant Classification Sherloc (09022015). Collection method: clinical testing. Allele origin: germline.
Comment: In summary, the available evidence is currently insufficient to determine the role of this variant in disease. Therefore, it has been classified as a Variant of Uncertain Significance. This variant has not been reported in the literature in individuals affected with HERC1-related conditions. Algorithms developed to predict the effect of missense changes on protein structure and function are either unavailable or do not agree on the potential impact of this missense change (SIFT: "Deleterious"; PolyPhen-2: "Benign"; Align-GVGD: "Class C0"). This sequence change replaces lysine, which is basic and polar, with glutamine, which is neutral and polar, at codon 126 of the HERC1 protein (p.Lys126Gln). This variant is not present in population databases (gnomAD no frequency).